The following is an entry in ClinVar:

ClinVar aggregate classification (germline): Pathogenic/Likely pathogenic. Review status: criteria provided, multiple submitters, no conflicts (2 of 4 stars). 2 submissions from 2 submitters: Pathogenic (1); Likely pathogenic (1). Last evaluated 2022-10-04.

Conditions:
C1QA-related disorders.

Allele frequency attached by ClinVar (database versions not stated): gnomAD exomes 0.00001; ExAC 0.00003.

Submissions (2):

Labcorp Genetics (formerly Invitae), Labcorp
Classification: Pathogenic. Last evaluated: 2022-10-04. Review status: criteria provided, single submitter. Criteria: Invitae Variant Classification Sherloc (09022015). Collection method: clinical testing. Allele origin: germline.
Comment: This sequence change creates a premature translational stop signal (p.Thr193Asnfs*21) in the C1QA gene. While this is not anticipated to result in nonsense mediated decay, it is expected to disrupt the last 53 amino acid(s) of the C1QA protein. For these reasons, this variant has been classified as Pathogenic. This variant disrupts a region of the C1QA protein in which other variant(s) (p.Gln208*) have been determined to be pathogenic (PMID: 7594474, 8840296, 9225968, 30008451). This suggests that this is a clinically significant region of the protein, and that variants that disrupt it are likely to be disease-causing. This variant has not been reported in the literature in individuals affected with C1QA-related conditions. This variant is present in population databases (rs781431506, gnomAD 0.004%).

Blueprint Genetics
Classification: Likely pathogenic for C1QA-related disorders. Last evaluated: 2020-03-02. Review status: criteria provided, single submitter. Criteria: ACMG Guidelines, 2015. Collection method: clinical testing. Allele origin: germline. Affected: yes. Observed: 1 variant allele.

Literature cited by the submitters: PubMed 7594474 (cited by Labcorp Genetics (formerly Invitae), Labcorp); PubMed 8840296 (cited by Labcorp Genetics (formerly Invitae), Labcorp); PubMed 9225968 (cited by Labcorp Genetics (formerly Invitae), Labcorp); PubMed 30008451 (cited by Labcorp Genetics (formerly Invitae), Labcorp).

NM_015991.4(C1QA):c.577dup (p.Thr193fs)

Gene: C1QA (complement C1q A chain; plus strand). Cytogenetic location: 1p36.12.
Variant type: Duplication.
Coding change: c.577dup on transcript NM_015991.4 (MANE Select); coding-DNA position 577, one base duplicated (A; older notation c.577dupA).
Protein change: p.Thr193fs; shifts the reading frame from threonine 193.
Molecular consequence: frameshift variant.
Genome position (GRCh38, 1-based): chr1:22,639,246, A duplicated. VCF-style (leftmost placement, unchanged base first): chr1-22639245-C-CA. GRCh37 (hg19) VCF-style: chr1-22965738-C-CA.
Other names: c.577dup, p.Thr193fs (NM_001347465.2, NM_001347466.2); short protein forms T193fs.
Identifiers: ClinVar variation 2421419 (VCV002421419.7), dbSNP rs781431506, ClinGen allele CA677798.